The following is an entry in ClinVar:

ClinVar aggregate classification (germline): Benign. Review status: criteria provided, multiple submitters, no conflicts (2 of 4 stars). 5 submissions from 5 submitters: Benign (4). 1 of the submissions does not count toward it. Last evaluated 2026-06-01.

Conditions:
Multiple endocrine neoplasia, type 1 (MEN1). Also called: Endocrine adenomatosis multiple; MEN 1; MEN I; WERMER SYNDROME; MEA I. Identifiers: Orphanet 652, MedGen C0025267, MeSH D018761, MONDO:0007540, OMIM 131100.
Hereditary cancer-predisposing syndrome. Also called: Hereditary Cancer Syndrome; Tumor predisposition; Neoplastic Syndromes, Hereditary; Hereditary neoplastic syndrome. Identifiers: Orphanet 140162, MedGen C0027672, MeSH D009386, MONDO:0015356.
Pituitary dependent hypercortisolism. Also called: Pituitary ACTH Hypersecretion; CUSHING DISEASE, PITUITARY; Pituitary adenoma, acth-secreting, somatic; PITUITARY ADENOMA 4, ACTH-SECRETING; Cushing disease due to pituitary adenoma. Identifiers: Orphanet 96253, MedGen C0221406, MONDO:0009050, OMIM 219090.

Allele frequency attached by ClinVar (database versions not stated): TOPMed 0.00006; gnomAD 0.00013; gnomAD exomes 0.00404; ExAC 0.00459; 1000 Genomes Project 0.00699; 1000 Genomes Project 30x 0.00734.
gnomAD v4.1: 3,033 of 1,612,966 alleles (0.19%); highest among the groups gnomAD compares: South Asian, 3.2%; 74 homozygotes.

Submissions (5):

CeGaT Center for Human Genetics Tuebingen
Classification: Benign. Last evaluated: 2026-06-01. Review status: criteria provided, single submitter. Criteria: CeGaT Center For Human Genetics Tuebingen Variant Classification Criteria Version 2. Collection method: clinical testing. Allele origin: germline. Affected: yes. Observed: 4 variant alleles.
Comment: MEN1: BS1, BS2

Labcorp Genetics (formerly Invitae), Labcorp
Classification: Benign for Multiple endocrine neoplasia, type 1. Last evaluated: 2025-10-01. Review status: criteria provided, single submitter. Criteria: Invitae Variant Classification Sherloc (09022015). Collection method: clinical testing. Allele origin: germline.

Laboratory of Molecular and Cytogenetics, Department of Anatomy, All India Institute of Medical Sciences (AIIMS)
Classification: Benign for Pituitary dependent hypercortisolism. Last evaluated: 2023-05-31. Review status: criteria provided, single submitter. Criteria: ACMG Guidelines, 2015. Collection method: research. Allele origin: germline. Affected: yes.

Sema4
Classification: Benign for Hereditary cancer-predisposing syndrome. Last evaluated: 2021-05-18. Review status: criteria provided, single submitter. Criteria: Sema4 Curation Guidelines. Collection method: curation. Allele origin: germline.

Counsyl
Classification: Benign for Multiple endocrine neoplasia, type 1. Last evaluated: 2018-05-16. Review status: no assertion criteria provided. Collection method: clinical testing. Allele origin: unknown. Not counted in ClinVar's aggregate classification.

Literature cited by the submitters: PubMed 26307114 (cited by Counsyl).

NM_001370259.2(MEN1):c.913-42G>C

Gene: MEN1 (menin 1; minus strand). Cytogenetic location: 11q13.1.
Variant type: single nucleotide variant.
Coding change: c.913-42G>C on transcript NM_001370259.2 (MANE Select); 42 bases into the intron before coding-DNA position 913, G replaced by C.
Molecular consequence: intron variant.
Genome position (GRCh38, 1-based): chr11:64,806,410, C>G on the plus strand (G>C on the coding strand, the complement: MEN1 is on the minus strand). VCF-style: chr11-64806410-C-G. GRCh37 (hg19) VCF-style: chr11-64573882-C-G.
Other names: c.928-42G>C (NM_130804.3, NM_130803.3, NM_000244.4 and 3 more transcripts); c.913-42G>C (NM_130799.3, NM_001370260.2, NM_001370251.2 and 1 more transcripts); c.808-42G>C (NM_001370263.2, NM_001370262.2).
Identifiers: ClinVar variation 548911 (VCV000548911.40), dbSNP rs529037188, ClinGen allele CA061820.